The following is an entry in ClinVar:

ClinVar aggregate classification (germline): Uncertain significance. Review status: criteria provided, multiple submitters, no conflicts (2 of 4 stars). 2 submissions from 2 submitters: Uncertain significance (2). Last evaluated 2024-10-26.

Conditions:
Congenital myotonia, autosomal recessive form. Also called: Becker Generalized Myotonia; BECKER DISEASE; myotonia congenita, autosomal recessive. Identifiers: Orphanet 614, MedGen C0751360, MONDO:0009715, OMIM 255700.
Congenital myotonia, autosomal dominant form (THD). Also called: THOMSEN DISEASE; Myotonia congenita autosomal dominant. Identifiers: Orphanet 614, MedGen C2936781, MONDO:0008055, OMIM 160800.

Submissions (2):

GeneDx
Classification: Uncertain significance. Last evaluated: 2024-10-26. Review status: criteria provided, single submitter. Criteria: GeneDx Variant Classification Process June 2021. Collection method: clinical testing. Allele origin: germline. Affected: yes.
Comment: Not observed at significant frequency in large population cohorts (gnomAD); In silico analysis supports that this missense variant has a deleterious effect on protein structure/function; Has not been previously published as pathogenic or benign to our knowledge

Labcorp Genetics (formerly Invitae), Labcorp
Classification: Uncertain significance for Congenital myotonia, autosomal recessive form; Congenital myotonia, autosomal dominant form. Last evaluated: 2021-08-07. Review status: criteria provided, single submitter. Criteria: Invitae Variant Classification Sherloc (09022015). Collection method: clinical testing. Allele origin: germline.
Comment: This sequence change replaces valine with leucine at codon 366 of the CLCN1 protein (p.Val366Leu). The valine residue is highly conserved and there is a small physicochemical difference between valine and leucine. This variant is not present in population databases (ExAC no frequency). This variant has not been reported in the literature in individuals affected with CLCN1-related conditions. Advanced modeling of protein sequence and biophysical properties (such as structural, functional, and spatial information, amino acid conservation, physicochemical variation, residue mobility, and thermodynamic stability) performed at Invitae indicates that this missense variant is expected to disrupt CLCN1 protein function. In summary, the available evidence is currently insufficient to determine the role of this variant in disease. Therefore, it has been classified as a Variant of Uncertain Significance.

NM_000083.3(CLCN1):c.1096G>C (p.Val366Leu)

Gene: CLCN1 (chloride voltage-gated channel 1; plus strand). Cytogenetic location: 7q34.
Variant type: single nucleotide variant.
Coding change: c.1096G>C on transcript NM_000083.3 (MANE Select); coding-DNA position 1096, G replaced by C.
Protein change: p.Val366Leu; replaces valine 366 with leucine.
Molecular consequence: missense variant. On other transcripts: non-coding transcript variant (1).
Genome position (GRCh38, 1-based): chr7:143,331,582, G>C. VCF-style: chr7-143331582-G-C. GRCh37 (hg19) VCF-style: chr7-143028675-G-C.
Other names: c.1096G>C (NM_000083.2); short protein forms V366L.
Identifiers: ClinVar variation 1481465 (VCV001481465.7), dbSNP rs1554436573, ClinGen allele CA369642141.